The following is an entry in ClinVar:

NM_000518.5(HBB):c.20_21del (p.Glu7fs)

Genes: HBB (hemoglobin subunit beta; minus strand), LOC106099062 (HBB recombination region; plus strand), LOC107133510 (origin of replication at HBB; plus strand). Cytogenetic location: 11p15.4.
Variant type: Deletion.
Coding change: c.20_21del on transcript NM_000518.5 (MANE Select); coding-DNA positions 20 to 21, 2 bases deleted (AG; older notation c.20_21delAG).
Protein change: p.Glu7fs; shifts the reading frame from glutamic acid 7.
Molecular consequence: frameshift variant.
Genome position (GRCh38, 1-based): chr11:5,227,001-5,227,002, CT deleted on the plus strand (AG on the coding strand, the reverse complement: HBB is on the minus strand); deleting any 2 consecutive bases within chr11:5,227,001-5,227,003 gives the same sequence; the c. name uses the placement nearest the transcript's 3' end. VCF-style (leftmost placement, unchanged base first): chr11-5227000-CCT-C. GRCh37 (hg19) VCF-style: chr11-5248230-CCT-C.
Other names: short protein forms E7fs.
Identifiers: ClinVar variation 3766686 (VCV003766686.1).
Genomic context (GRCh38, chr11:5,227,000, plus strand): 5'-CCTCACCACCAACTTCATCCACGTTCACCTTGCCCCACAGGGCAGTAACGGCAGACTTCT[CCT>C]CAGGAGTCAGATGCACCATGGTGTCTGTTTGAGGTTGCTAGTGAACACAGTTGTGTCAGA-3'

ClinVar aggregate classification (germline): Pathogenic (1 of 4 stars; one submission).

Submission:

ARUP Laboratories, Molecular Genetics and Genomics, ARUP Laboratories
Classification: Pathogenic. Last evaluated: 2024-06-27. Review status: criteria provided, single submitter. Criteria: ARUP Molecular Germline Variant Investigation Process 2024. Collection method: clinical testing. Allele origin: germline.
Comment: The HBB c.20_21del; p.Glu7GlyfsTer16 variant, to our knowledge, is not reported in the medical literature or gene specific databases. This variant is absent from the Genome Aggregation Database (v2.1.1), indicating it is not a common polymorphism. This variant causes a frameshift by deleting two nucleotides, so it is predicted to result in a truncated protein or mRNA subject to nonsense-mediated decay. Based on available information, this variant is considered to be pathogenic.